The following is an entry in ClinVar:

ClinVar aggregate classification (germline): Uncertain significance (1 of 4 stars; one submission).

Conditions:
Cardiovascular phenotype. Identifiers: MedGen CN230736.

Allele frequency attached by ClinVar (database versions not stated): ExAC 0.00001; TOPMed 0.00001.
gnomAD v4.1: 10 of 1,613,818 alleles (0.00062%); highest among the groups gnomAD compares: African/African-American, 0.012%; no homozygotes.

Submission:

Ambry Genetics
Classification: Uncertain significance for Cardiovascular phenotype. Last evaluated: 2025-07-13. Review status: criteria provided, single submitter. Criteria: Ambry Variant Classification Scheme 2023. Collection method: clinical testing. Allele origin: germline.
Comment: The p.M4382I variant (also known as c.13146G>C), located in coding exon 29 of the APOB gene, results from a G to C substitution at nucleotide position 13146. The methionine at codon 4382 is replaced by isoleucine, an amino acid with highly similar properties. This amino acid position is conserved. In addition, this alteration is predicted to be tolerated by in silico analysis. Since supporting evidence is limited at this time, the clinical significance of this alteration remains unclear.

NM_000384.3(APOB):c.13146G>C (p.Met4382Ile)

Gene: APOB (apolipoprotein B; minus strand). Cytogenetic location: 2p24.1.
Variant type: single nucleotide variant.
Coding change: c.13146G>C on transcript NM_000384.3 (MANE Select); coding-DNA position 13146, G replaced by C.
Protein change: p.Met4382Ile; replaces methionine 4382 with isoleucine.
Molecular consequence: missense variant.
Genome position (GRCh38, 1-based): chr2:21,002,276, C>G on the plus strand (G>C on the coding strand, the complement: APOB is on the minus strand). VCF-style: chr2-21002276-C-G. GRCh37 (hg19) VCF-style: chr2-21225148-C-G.
Other names: short protein forms M4382I.
Identifiers: ClinVar variation 920525 (VCV000920525.7), dbSNP rs762035564, ClinGen allele CA051985.